The following is an entry in ClinVar:

ClinVar aggregate classification (germline): Uncertain significance (1 of 4 stars; one submission).

Allele frequency attached by ClinVar (database versions not stated): TOPMed 0.00005; gnomAD 0.00008; ExAC 0.00018; 1000 Genomes Project 30x 0.00031.
gnomAD v4.1: 116 of 1,602,212 alleles (0.0072%); highest among the groups gnomAD compares: South Asian, 0.037%; no homozygotes.

Submission:

Labcorp Genetics (formerly Invitae), Labcorp
Classification: Uncertain significance. Last evaluated: 2025-09-04. Review status: criteria provided, single submitter. Criteria: Invitae Variant Classification Sherloc (09022015). Collection method: clinical testing. Allele origin: germline.
Comment: This sequence change replaces alanine, which is neutral and non-polar, with valine, which is neutral and non-polar, at codon 456 of the CREB3L3 protein (p.Ala456Val). This variant is present in population databases (rs76914193, gnomAD 0.03%). This variant has not been reported in the literature in individuals affected with CREB3L3-related conditions. ClinVar contains an entry for this variant (Variation ID: 2723835). An algorithm developed to predict the effect of missense changes on protein structure and function outputs the following: PolyPhen-2: "Benign". The valine amino acid residue is found in multiple mammalian species, which suggests that this missense change does not adversely affect protein function. In summary, the available evidence is currently insufficient to determine the role of this variant in disease. Therefore, it has been classified as a Variant of Uncertain Significance.

NM_032607.3(CREB3L3):c.1367C>T (p.Ala456Val)

Genes: CREB3L3 (cAMP responsive element binding protein 3 like 3; plus strand), LOC125371455 (Sharpr-MPRA regulatory region 11650; plus strand). Cytogenetic location: 19p13.3.
Variant type: single nucleotide variant.
Coding change: c.1367C>T on transcript NM_032607.3 (MANE Select); coding-DNA position 1367, C replaced by T.
Protein change: p.Ala456Val; replaces alanine 456 with valine.
Molecular consequence: missense variant. On other transcripts: 3 prime UTR variant (1).
Genome position (GRCh38, 1-based): chr19:4,171,950, C>T. VCF-style: chr19-4171950-C-T. GRCh37 (hg19) VCF-style: chr19-4171947-C-T.
Other names: c.1364C>T, p.Ala455Val (NM_001271995.2); c.1361C>T, p.Ala454Val (NM_001271996.2); c.*246C>T (NM_001271997.2); short protein forms A454V, A455V, A456V.
Identifiers: ClinVar variation 2723835 (VCV002723835.3), dbSNP rs76914193, ClinGen allele CA9091693.